The following is an entry in ClinVar:

NM_001273.5(CHD4):c.2555A>G (p.Tyr852Cys)

Gene: CHD4 (chromodomain helicase DNA binding protein 4; minus strand). Cytogenetic location: 12p13.31.
Variant type: single nucleotide variant.
Coding change: c.2555A>G on transcript NM_001273.5 (MANE Select); coding-DNA position 2555, A replaced by G.
Protein change: p.Tyr852Cys; replaces tyrosine 852 with cysteine.
Molecular consequence: missense variant.
Genome position (GRCh38, 1-based): chr12:6,593,188, T>C on the plus strand (A>G on the coding strand, the complement: CHD4 is on the minus strand). VCF-style: chr12-6593188-T-C. GRCh37 (hg19) VCF-style: chr12-6702354-T-C.
Other names: c.2534A>G, p.Tyr845Cys (NM_001297553.2); c.2516A>G, p.Tyr839Cys (NM_001363606.2); short protein forms Y839C, Y845C, Y852C.
Identifiers: ClinVar variation 3371359 (VCV003371359.1).

ClinVar aggregate classification (germline): Uncertain significance (1 of 4 stars; one submission).

Submission:

GeneDx
Classification: Uncertain significance. Last evaluated: 2024-03-25. Review status: criteria provided, single submitter. Criteria: GeneDx Variant Classification Process June 2021. Collection method: clinical testing. Allele origin: germline. Affected: yes.
Comment: Not observed at significant frequency in large population cohorts (gnomAD); In silico analysis supports that this missense variant has a deleterious effect on protein structure/function; Has not been previously published as pathogenic or benign to our knowledge